The following is an entry in ClinVar:

NM_018958.3(NPAP1):c.2241T>C (p.Ser747=)

Gene: NPAP1 (nuclear pore associated protein 1; plus strand). Cytogenetic location: 15q11.2.
Variant type: single nucleotide variant.
Coding change: c.2241T>C on transcript NM_018958.3 (MANE Select); coding-DNA position 2241, T replaced by C.
Protein change: p.Ser747=; no amino-acid change (serine 747 retained).
Molecular consequence: synonymous variant.
Genome position (GRCh38, 1-based): chr15:24,678,108, T>C. VCF-style: chr15-24678108-T-C. GRCh37 (hg19) VCF-style: chr15-24923255-T-C.
Identifiers: ClinVar variation 3389401 (VCV003389401.14).

ClinVar aggregate classification (germline): Likely benign (1 of 4 stars; one submission).

gnomAD v4.1: 1 of 1,612,908 alleles (0.000062%); highest among the groups gnomAD compares: Non-Finnish European, 0.000085%; no homozygotes.

Submission:

CeGaT Center for Human Genetics Tuebingen
Classification: Likely benign. Last evaluated: 2024-11-01. Review status: criteria provided, single submitter. Criteria: CeGaT Center For Human Genetics Tuebingen Variant Classification Criteria Version 2. Collection method: clinical testing. Allele origin: germline. Affected: yes. Observed: 1 variant allele.
Comment: NPAP1: BP4, BP7